The following is an entry in ClinVar:

ClinVar aggregate classification (germline): Uncertain significance (1 of 4 stars; one submission).

Conditions:
Brugada syndrome 4 (BRGDA4). Identifiers: Orphanet 130, MedGen C2678477, MONDO:0012743, OMIM 611876.

Allele frequency attached by ClinVar (database versions not stated): gnomAD exomes below 0.00001.

Submission:

Labcorp Genetics (formerly Invitae), Labcorp
Classification: Uncertain significance for Brugada syndrome 4. Last evaluated: 2023-12-30. Review status: criteria provided, single submitter. Criteria: Invitae Variant Classification Sherloc (09022015). Collection method: clinical testing. Allele origin: germline.
Comment: This sequence change replaces leucine, which is neutral and non-polar, with valine, which is neutral and non-polar, at codon 250 of the CACNB2 protein (p.Leu250Val). This variant is not present in population databases (gnomAD no frequency). This variant has not been reported in the literature in individuals affected with CACNB2-related conditions. Advanced modeling of protein sequence and biophysical properties (such as structural, functional, and spatial information, amino acid conservation, physicochemical variation, residue mobility, and thermodynamic stability) performed at Invitae indicates that this missense variant is not expected to disrupt CACNB2 protein function with a negative predictive value of 80%. In summary, the available evidence is currently insufficient to determine the role of this variant in disease. Therefore, it has been classified as a Variant of Uncertain Significance.

NM_201596.3(CACNB2):c.910C>G (p.Leu304Val)

Gene: CACNB2 (calcium voltage-gated channel auxiliary subunit beta 2; plus strand). Cytogenetic location: 10p12.31.
Variant type: single nucleotide variant.
Coding change: c.910C>G on transcript NM_201596.3 (MANE Select); coding-DNA position 910, C replaced by G.
Protein change: p.Leu304Val; replaces leucine 304 with valine.
Molecular consequence: missense variant.
Genome position (GRCh38, 1-based): chr10:18,518,934, C>G. VCF-style: chr10-18518934-C-G. GRCh37 (hg19) VCF-style: chr10-18807863-C-G.
Other names: c.745C>G, p.Leu249Val (NM_000724.4); c.712C>G, p.Leu238Val (NM_001167945.2); c.631C>G, p.Leu211Val (NM_001330060.2); c.652C>G, p.Leu218Val (NM_001410882.1); c.766C>G, p.Leu256Val (NM_201570.3); c.826C>G, p.Leu276Val (NM_201571.4); c.754C>G, p.Leu252Val (NM_201572.4); c.748C>G, p.Leu250Val (NM_201590.3); and 2 more; short protein forms L211V, L256V, L238V, L266V, L304V, L218V, L249V, L250V.
Identifiers: ClinVar variation 2966183 (VCV002966183.3), dbSNP rs2051552980, ClinGen allele CA376061806.
Genomic context (GRCh38, chr10:18,518,934, plus strand): 5'-TGGTCATATCTTAATTTATTGCTTGCTCAATTGCAGGTCACAGATATGATGCAAAAAGCG[C>G]TGTTTGATTTTTTAAAACACAGATTTGAAGGGCGGTGAGTATTTCAGCATACTGGGTTTT-3'
Protein context (NP_963890.2, residues 294-314): YEVTDMMQKA[Leu304Val]FDFLKHRFEG